The following is an entry in ClinVar:

NM_001267550.2(TTN):c.107092C>T (p.Leu35698Phe)

Genes: TTN (titin; minus strand), TTN-AS1 (TTN antisense RNA 1; plus strand). Cytogenetic location: 2q31.2.
Variant type: single nucleotide variant.
Coding change: c.107092C>T on transcript NM_001267550.2 (MANE Select); coding-DNA position 107092, C replaced by T.
Protein change: p.Leu35698Phe; replaces leucine 35698 with phenylalanine.
Molecular consequence: missense variant.
Genome position (GRCh38, 1-based): chr2:178,528,659, G>A on the plus strand (C>T on the coding strand, the complement: TTN is on the minus strand). VCF-style: chr2-178528659-G-A. GRCh37 (hg19) VCF-style: chr2-179393386-G-A.
Other names: c.102169C>T, p.Leu34057Phe (NM_001256850.1); c.79897C>T, p.Leu26633Phe (NM_003319.4); c.99388C>T, p.Leu33130Phe (NM_133378.4); c.80272C>T, p.Leu26758Phe (NM_133432.3); c.80473C>T, p.Leu26825Phe (NM_133437.4); short protein forms L34057F, L35698F, L26633F, L33130F, L26758F, L26825F.
Identifiers: ClinVar variation 511884 (VCV000511884.2), dbSNP rs1435670489, ClinGen allele CA349401958.
Genomic context (GRCh38, chr2:178,528,659, plus strand): 5'-TTTGTCCTTCATTAATATTTTGAGATCTAGGCTGTGAGATGAAGGCTGGAGCATCTGAGA[G>A]TTCTTTGCTCAGTGTCAAATCATACTGACACTTGACGATTCCTTCCTTGGTTTTGCTTAT-3'
Protein context (NP_001254479.2, residues 35688-35708): CQYDLTLSKE[Leu35698Phe]SDAPAFISQP

ClinVar aggregate classification (germline): Likely benign. Review status: criteria provided, multiple submitters, no conflicts (2 of 4 stars). 2 submissions from 2 submitters: Likely benign (2). Last evaluated 2023-06-28.

Allele frequency attached by ClinVar (database versions not stated): gnomAD 0.00001.
gnomAD v4.1: 1 of 1,613,070 alleles (0.000062%); highest among the groups gnomAD compares: East Asian, 0.0022%; no homozygotes.

Submissions (2):

Blueprint Genetics
Classification: Likely benign. Last evaluated: 2023-06-28. Review status: criteria provided, single submitter. Criteria: ACMG Guidelines, 2015. Collection method: clinical testing. Allele origin: germline.

GeneDx
Classification: Likely benign. Last evaluated: 2017-08-31. Review status: criteria provided, single submitter. Criteria: GeneDx Variant Classification (06012015). Collection method: clinical testing. Allele origin: germline. Affected: yes.
Comment: This variant is considered likely benign or benign based on one or more of the following criteria: it is a conservative change, it occurs at a poorly conserved position in the protein, it is predicted to be benign by multiple in silico algorithms, and/or has population frequency not consistent with disease.